The following is an entry in ClinVar:

NM_017999.5(RNF31):c.2493+6G>A

Gene: RNF31 (ring finger protein 31; plus strand). Cytogenetic location: 14q12.
Variant type: single nucleotide variant.
Coding change: c.2493+6G>A on transcript NM_017999.5 (MANE Select); 6 bases into the intron after coding-DNA position 2493, G replaced by A.
Molecular consequence: intron variant.
Genome position (GRCh38, 1-based): chr14:24,155,698, G>A. VCF-style: chr14-24155698-G-A. GRCh37 (hg19) VCF-style: chr14-24624907-G-A.
Other names: c.2040+6G>A (NM_001310332.2).
Identifiers: ClinVar variation 2880564 (VCV002880564.3), dbSNP rs2502015686, ClinGen allele CA2575491900.
Genomic context (GRCh38, chr14:24,155,698, plus strand): 5'-GGAGGCAACTTGTCCCCAGTGTCACCAGACCTTCTGTGTGCGCTGCAAGCGCCAGGTGAG[G>A]CACATTCATCCTTTCAGAAATACTTGCTGAGCTACTGCCAGGTACTGTGTTAGACTCAGG-3'

ClinVar aggregate classification (germline): Uncertain significance (1 of 4 stars; one submission).

Allele frequency attached by ClinVar (database versions not stated): gnomAD exomes 0.00001.
gnomAD v4.1: 8 of 1,612,812 alleles (0.0005%); highest among the groups gnomAD compares: Admixed American, 0.0017%; no homozygotes.

Submission:

Labcorp Genetics (formerly Invitae), Labcorp
Classification: Uncertain significance. Last evaluated: 2023-03-20. Review status: criteria provided, single submitter. Criteria: Invitae Variant Classification Sherloc (09022015). Collection method: clinical testing. Allele origin: germline.
Comment: Variants that disrupt the consensus splice site are a relatively common cause of aberrant splicing (PMID: 17576681, 9536098). Algorithms developed to predict the effect of sequence changes on RNA splicing suggest that this variant is not likely to affect RNA splicing. In summary, the available evidence is currently insufficient to determine the role of this variant in disease. Therefore, it has been classified as a Variant of Uncertain Significance. This variant has not been reported in the literature in individuals affected with RNF31-related conditions. This variant is not present in population databases (gnomAD no frequency). This sequence change falls in intron 14 of the RNF31 gene. It does not directly change the encoded amino acid sequence of the RNF31 protein. It affects a nucleotide within the consensus splice site.

Literature cited by the submitters: PubMed 17576681; PubMed 9536098.